The following is an entry in ClinVar:

NM_001130987.2(DYSF):c.3397G>T (p.Ala1133Ser)

Gene: DYSF (dysferlin; plus strand). Cytogenetic location: 2p13.2.
Variant type: single nucleotide variant.
Coding change: c.3397G>T on transcript NM_001130987.2 (MANE Select); coding-DNA position 3397, G replaced by T.
Protein change: p.Ala1133Ser; replaces alanine 1133 with serine.
Molecular consequence: missense variant.
Genome position (GRCh38, 1-based): chr2:71,574,366, G>T. VCF-style: chr2-71574366-G-T. GRCh37 (hg19) VCF-style: chr2-71801496-G-T.
Other names: c.3346G>T, p.Ala1116Ser (NM_001130455.2, NM_001130983.2); c.3301G>T, p.Ala1101Ser (NM_001130976.2, NM_001130977.2); c.3343G>T, p.Ala1115Ser (NM_001130978.2, NM_003494.4); c.3436G>T, p.Ala1146Ser (NM_001130979.2); c.3394G>T, p.Ala1132Ser (NM_001130980.2, NM_001130981.2); c.3439G>T, p.Ala1147Ser (NM_001130982.2); c.3304G>T, p.Ala1102Ser (NM_001130984.2, NM_001130986.2); c.3397G>T, p.Ala1133Ser (NM_001130985.2); short protein forms A1133S, A1115S, A1146S, A1102S, A1116S, A1147S, A1101S, A1132S.
Identifiers: ClinVar variation 581722 (VCV000581722.8), dbSNP rs200334333, ClinGen allele CA347218577.

ClinVar aggregate classification (germline): Uncertain significance (1 of 4 stars; one submission).

Conditions:
Neuromuscular disease caused by qualitative or quantitative defects of dysferlin. Also called: Dysferlinopathy; Qualitative or quantitative defects of dysferlin. Identifiers: Orphanet 207073, MedGen C2931687, MONDO:0016145.

Allele frequency attached by ClinVar (database versions not stated): gnomAD 0.00003.
gnomAD v4.1: 1 of 1,613,470 alleles (0.000062%); highest among the groups gnomAD compares: African/African-American, 0.0013%; no homozygotes.

Submission:

Labcorp Genetics (formerly Invitae), Labcorp
Classification: Uncertain significance for Neuromuscular disease caused by qualitative or quantitative defects of dysferlin. Last evaluated: 2022-09-07. Review status: criteria provided, single submitter. Criteria: Invitae Variant Classification Sherloc (09022015). Collection method: clinical testing. Allele origin: germline.
Comment: In summary, the available evidence is currently insufficient to determine the role of this variant in disease. Therefore, it has been classified as a Variant of Uncertain Significance. Advanced modeling of protein sequence and biophysical properties (such as structural, functional, and spatial information, amino acid conservation, physicochemical variation, residue mobility, and thermodynamic stability) performed at Invitae indicates that this missense variant is not expected to disrupt DYSF protein function. ClinVar contains an entry for this variant (Variation ID: 581722). This variant has not been reported in the literature in individuals affected with DYSF-related conditions. This variant is present in population databases (no rsID available, gnomAD 0.01%). This sequence change replaces alanine, which is neutral and non-polar, with serine, which is neutral and polar, at codon 1115 of the DYSF protein (p.Ala1115Ser).